The following is an entry in ClinVar:

NM_000548.5(TSC2):c.3344_3364dup (p.Gln1115_Ser1121dup)

Gene: TSC2 (TSC complex subunit 2; plus strand). Cytogenetic location: 16p13.3.
Variant type: Duplication.
Coding change: c.3344_3364dup on transcript NM_000548.5 (MANE Select); coding-DNA positions 3344 to 3364, 21 bases duplicated (AGGCTGGGCAGCAGGTGTCCC).
Protein change: p.Gln1115_Ser1121dup.
Molecular consequence: inframe insertion.
Genome position (GRCh38, 1-based): chr16:2,079,616-2,079,636, AGGCTGGGCAGCAGGTGTCCC duplicated; duplicating any 21 consecutive bases within chr16:2,079,611-2,079,636 gives the same sequence; the c. name uses the placement nearest the transcript's 3' end. VCF-style (leftmost placement, unchanged base first): chr16-2079610-A-AGTCCCAGGCTGGGCAGCAGGT. GRCh37 (hg19) VCF-style: chr16-2129611-A-AGTCCCAGGCTGGGCAGCAGGT.
Other names: c.3344_3364dupAGGCTGGGCAGCAGGTGTCCC (NM_000548.3); c.3212_3232dup, p.Gln1071_Ser1077dup (NM_001077183.3, NM_001370404.1); c.3344_3364dup, p.Gln1115_Ser1121dup (NM_001114382.3); c.3104_3124dup, p.Gln1035_Ser1041dup (NM_001318827.2); c.3068_3088dup, p.Gln1023_Ser1029dup (NM_001318829.2); c.2612_2632dup, p.Gln871_Ser877dup (NM_001318831.2); c.3245_3265dup, p.Gln1082_Ser1088dup (NM_001318832.2); c.3215_3235dup, p.Gln1072_Ser1078dup (NM_001363528.2, NM_001370405.1, NM_021055.3).
Identifiers: ClinVar variation 581110 (VCV000581110.11), dbSNP rs1567500517, ClinGen allele CA891843878.
Genomic context (GRCh38, chr16:2,079,610, plus strand): 5'-TTCTCAGCTCCAGCCCCGGGGTGCATGTGAGACAGACCAAGGAGGCGCCGGCCAAGCTGG[A>AGTCCCAGGCTGGGCAGCAGGT]GTCCCAGGCTGGGCAGCAGGTGTCCCGTGGGGCCCGGGATCGGGTCCGTTCCATGTCGGG-3'

ClinVar aggregate classification (germline): Uncertain significance. Review status: criteria provided, multiple submitters, no conflicts (2 of 4 stars). 3 submissions from 3 submitters: Uncertain significance (3). Last evaluated 2025-05-28.

Conditions:
Tuberous sclerosis 2 (TSC2). Identifiers: Orphanet 805, MedGen C1860707, MONDO:0013199, OMIM 613254.
Isolated focal cortical dysplasia type II (FCORD2). Also called: Focal cortical dysplasia type II; CORTICAL DYSPLASIA OF TAYLOR. Identifiers: Orphanet 268994, MedGen C1846385, MONDO:0011818, OMIM 607341, HP:0032051.
Lymphangiomyomatosis (LAM). Also called: Lymphangioleiomyomatosis; Lymphangioleiomyomatosis, somatic. Identifiers: Orphanet 538, MedGen C0751674, MONDO:0011705, OMIM 606690.
Hereditary cancer-predisposing syndrome. Also called: Hereditary neoplastic syndrome; Tumor predisposition; Hereditary Cancer Syndrome; Neoplastic Syndromes, Hereditary. Identifiers: Orphanet 140162, MedGen C0027672, MeSH D009386, MONDO:0015356.

Submissions (3):

Ambry Genetics
Classification: Uncertain significance for Hereditary cancer-predisposing syndrome. Last evaluated: 2025-05-28. Review status: criteria provided, single submitter. Criteria: Ambry Variant Classification Scheme 2023. Collection method: clinical testing. Allele origin: germline.
Comment: The c.3344_3364dup21 variant (also known as p.Q1115_S1121dup), located in coding exon 28 of the TSC2 gene, results from an in-frame duplication of 21 nucleotides at nucleotide positions 3344 to 3364. This results in the duplication of 7 extra residues (QAGQQVS) between codons 1115 and 1121. This amino acid region is well conserved in available vertebrate species. In addition, the in silico prediction for this alteration is inconclusive (Choi Y et al. PLoS ONE. 2012; 7(10):e46688). Since supporting evidence is limited at this time, the clinical significance of this alteration remains unclear.

Labcorp Genetics (formerly Invitae), Labcorp
Classification: Uncertain significance for Tuberous sclerosis 2. Last evaluated: 2023-04-25. Review status: criteria provided, single submitter. Criteria: Invitae Variant Classification Sherloc (09022015). Collection method: clinical testing. Allele origin: germline.
Comment: This variant has not been reported in the literature in individuals affected with TSC2-related conditions. In summary, the available evidence is currently insufficient to determine the role of this variant in disease. Therefore, it has been classified as a Variant of Uncertain Significance. ClinVar contains an entry for this variant (Variation ID: 581110). This variant is not present in population databases (gnomAD no frequency). This variant, c.3344_3364dup, results in the insertion of 7 amino acid(s) of the TSC2 protein (p.Gln1115_Ser1121dup), but otherwise preserves the integrity of the reading frame.

Fulgent Genetics
Classification: Uncertain significance for Lymphangiomyomatosis; Isolated focal cortical dysplasia type II; Tuberous sclerosis 2. Last evaluated: 2021-07-08. Review status: criteria provided, single submitter. Criteria: ACMG Guidelines, 2015. Collection method: clinical testing. Allele origin: unknown.